The following is an entry in ClinVar:

ClinVar aggregate classification (germline): Benign/Likely benign. Review status: criteria provided, multiple submitters, no conflicts (2 of 4 stars). 8 submissions from 8 submitters: Benign (4); Likely benign (3). 1 of the submissions does not count toward it. Last evaluated 2026-05-01.

Conditions:
MYO3A-related disorder. Also called: MYO3A-related condition.
Autosomal recessive nonsyndromic hearing loss 30. Identifiers: Orphanet 90636, MedGen C1846784, MONDO:0011774, OMIM 607101.

Allele frequency attached by ClinVar (database versions not stated): ESP Exome Variant Server 0.00015; gnomAD exomes 0.00130 and 0.00392; gnomAD 0.00134 and 0.00188; TOPMed 0.00252; ExAC 0.00382; 1000 Genomes Project 30x 0.00843; 1000 Genomes Project 0.00919.
gnomAD v4.1: 2,322 of 1,614,002 alleles (0.14%); highest among the groups gnomAD compares: East Asian, 3.8%; 31 homozygotes.

Submissions (8):

CeGaT Center for Human Genetics Tuebingen
Classification: Likely benign. Last evaluated: 2026-05-01. Review status: criteria provided, single submitter. Criteria: CeGaT Center For Human Genetics Tuebingen Variant Classification Criteria Version 2. Collection method: clinical testing. Allele origin: germline. Affected: yes. Observed: 2 variant alleles.
Comment: MYO3A: BP4

Labcorp Genetics (formerly Invitae), Labcorp
Classification: Benign. Last evaluated: 2026-01-02. Review status: criteria provided, single submitter. Criteria: Invitae Variant Classification Sherloc (09022015). Collection method: clinical testing. Allele origin: germline.

ARUP Laboratories, Molecular Genetics and Genomics, ARUP Laboratories
Classification: Benign for Autosomal recessive nonsyndromic hearing loss 30. Last evaluated: 2023-09-14. Review status: criteria provided, single submitter. Criteria: ARUP Molecular Germline Variant Investigation Process 2024. Collection method: clinical testing. Allele origin: germline.

GeneDx
Classification: Benign. Last evaluated: 2018-03-14. Review status: criteria provided, single submitter. Criteria: GeneDx Variant Classification (06012015). Collection method: clinical testing. Allele origin: germline. Affected: yes.
Comment: This variant is considered likely benign or benign based on one or more of the following criteria: it is a conservative change, it occurs at a poorly conserved position in the protein, it is predicted to be benign by multiple in silico algorithms, and/or has population frequency not consistent with disease.

Illumina Laboratory Services, Illumina
Classification: Likely benign for Autosomal recessive nonsyndromic hearing loss 30. Last evaluated: 2018-01-13. Review status: criteria provided, single submitter. Criteria: ICSL Variant Classification Criteria 13 December 2019. Collection method: clinical testing. Allele origin: germline.
Comment: This variant was observed in the ICSL laboratory as part of a predisposition screen in an ostensibly healthy population. It had not been previously curated by ICSL or reported in the Human Gene Mutation Database (HGMD: prior to June 1st, 2018), and was therefore a candidate for classification through an automated scoring system. Utilizing variant allele frequency, disease prevalence and penetrance estimates, and inheritance mode, an automated score was calculated to assess if this variant is too frequent to cause the disease. Based on the score and internal cut-off values, a variant classified as likely benign is not then subjected to further curation. The score for this variant resulted in a classification of likely benign for this disease.

Laboratory for Molecular Medicine, Mass General Brigham Personalized Medicine
Classification: Benign. Last evaluated: 2012-11-29. Review status: criteria provided, single submitter. Criteria: LMM Criteria. Collection method: clinical testing. Allele origin: germline. Observed: 7 variant alleles.
Comment: This variant was identified in 19/394 Asian control chromosomes.

Breakthrough Genomics
Classification: Likely benign. Review status: criteria provided, single submitter. Criteria: ACMG Guidelines, 2015. Collection method: not provided. Allele origin: germline. Inheritance: Autosomal recessive inheritance. Affected: yes.

PreventionGenetics, part of Exact Sciences
Classification: Likely benign for MYO3A-related condition. Last evaluated: 2019-07-22. Review status: no assertion criteria provided. Collection method: clinical testing. Allele origin: germline. Not counted in ClinVar's aggregate classification.
Comment: This variant is classified as likely benign based on ACMG/AMP sequence variant interpretation guidelines (Richards et al. 2015 PMID: 25741868, with internal and published modifications).

NM_017433.5(MYO3A):c.4462A>G (p.Lys1488Glu)

Gene: MYO3A (myosin IIIA; plus strand). Cytogenetic location: 10p12.1.
Variant type: single nucleotide variant.
Coding change: c.4462A>G on transcript NM_017433.5 (MANE Select); coding-DNA position 4462, A replaced by G.
Protein change: p.Lys1488Glu; replaces lysine 1488 with glutamic acid.
Molecular consequence: missense variant.
Genome position (GRCh38, 1-based): chr10:26,193,228, A>G. VCF-style: chr10-26193228-A-G. GRCh37 (hg19) VCF-style: chr10-26482157-A-G.
Other names: short protein forms K1488E.
Identifiers: ClinVar variation 45815 (VCV000045815.38), dbSNP rs34204285, ClinGen allele CA137091.